The following is an entry in ClinVar:

NM_001267550.2(TTN):c.67638G>A (p.Val22546=)

Genes: TTN (titin; minus strand), TTN-AS1 (TTN antisense RNA 1; plus strand), LOC126806423 (CDK7 strongly-dependent group 2 enhancer GRCh37_chr2:179443309-179444508; plus strand). Cytogenetic location: 2q31.2.
Variant type: single nucleotide variant.
Coding change: c.67638G>A on transcript NM_001267550.2 (MANE Select); coding-DNA position 67638, G replaced by A.
Protein change: p.Val22546=; no amino-acid change (valine 22546 retained).
Molecular consequence: synonymous variant.
Genome position (GRCh38, 1-based): chr2:178,579,392, C>T on the plus strand (G>A on the coding strand, the complement: TTN is on the minus strand). VCF-style: chr2-178579392-C-T. GRCh37 (hg19) VCF-style: chr2-179444119-C-T.
Other names: p.Val19978=; c.62715G>A, p.Val20905= (NM_001256850.1); c.40443G>A, p.Val13481= (NM_003319.4); c.59934G>A, p.Val19978= (NM_133378.4); c.40818G>A, p.Val13606= (NM_133432.3); c.41019G>A, p.Val13673= (NM_133437.4).
Identifiers: ClinVar variation 4540725 (VCV004540725.1).

ClinVar aggregate classification (germline): Uncertain significance (1 of 4 stars; one submission).

gnomAD v4.1: 3 of 1,561,940 alleles (0.00019%); highest among the groups gnomAD compares: Non-Finnish European, 0.00017%; no homozygotes.

Submission:

Mayo Clinic Laboratories, Mayo Clinic
Classification: Uncertain significance. Last evaluated: 2025-10-03. Review status: criteria provided, single submitter. Criteria: ACMG Guidelines, 2015. Collection method: clinical testing. Allele origin: germline. Observed: 1 variant allele.
Comment: PP3